The following is an entry in ClinVar:

ClinVar aggregate classification (germline): Uncertain significance (1 of 4 stars; one submission).

Conditions:
Inborn genetic diseases. Identifiers: MedGen C0950123, MeSH D030342.

gnomAD v4.1: 2 of 1,613,846 alleles (0.00012%); highest among the groups gnomAD compares: Admixed American, 0.0033%; no homozygotes.

Submission:

Ambry Genetics
Classification: Uncertain significance for Inborn genetic diseases. Last evaluated: 2025-02-20. Review status: criteria provided, single submitter. Criteria: Ambry Variant Classification Scheme 2023. Collection method: clinical testing. Allele origin: germline.
Comment: The p.Q427R variant (also known as c.1280A>G), located in coding exon 6 of the SH2B3 gene, results from an A to G substitution at nucleotide position 1280. The glutamine at codon 427 is replaced by arginine, an amino acid with highly similar properties. This amino acid position is conserved. In addition, the in silico prediction for this alteration is inconclusive. Based on the available evidence, the clinical significance of this variant remains unclear.

NM_005475.3(SH2B3):c.1280A>G (p.Gln427Arg)

Gene: SH2B3 (SH2B adaptor protein 3; plus strand). Cytogenetic location: 12q24.12.
Variant type: single nucleotide variant.
Coding change: c.1280A>G on transcript NM_005475.3 (MANE Select); coding-DNA position 1280, A replaced by G.
Protein change: p.Gln427Arg; replaces glutamine 427 with arginine.
Molecular consequence: missense variant.
Genome position (GRCh38, 1-based): chr12:111,447,699, A>G. VCF-style: chr12-111447699-A-G. GRCh37 (hg19) VCF-style: chr12-111885503-A-G.
Other names: c.674A>G, p.Gln225Arg (NM_001291424.1); short protein forms Q225R, Q427R.
Identifiers: ClinVar variation 3795210 (VCV003795210.1).